The following is an entry in ClinVar:

ClinVar aggregate classification (germline): Pathogenic (1 of 4 stars; one submission).

Conditions:
Primary ciliary dyskinesia. Also called: Ciliary dyskinesia. Identifiers: Orphanet 244, MedGen C0008780, MONDO:0016575, HP:0012265.

Submission:

Labcorp Genetics (formerly Invitae), Labcorp
Classification: Pathogenic for Primary ciliary dyskinesia. Last evaluated: 2023-11-05. Review status: criteria provided, single submitter. Criteria: Invitae Variant Classification Sherloc (09022015). Collection method: clinical testing. Allele origin: germline.
Comment: This sequence change creates a premature translational stop signal (p.Tyr200*) in the DNAH11 gene. It is expected to result in an absent or disrupted protein product. Loss-of-function variants in DNAH11 are known to be pathogenic (PMID: 18022865, 20513915, 22184204). This variant is not present in population databases (gnomAD no frequency). This variant has not been reported in the literature in individuals affected with DNAH11-related conditions. For these reasons, this variant has been classified as Pathogenic.

Literature cited by the submitters: PubMed 18022865; PubMed 20513915; PubMed 22184204.

NM_001277115.2(DNAH11):c.600T>A (p.Tyr200Ter)

Gene: DNAH11 (dynein axonemal heavy chain 11; plus strand). Cytogenetic location: 7p15.3.
Variant type: single nucleotide variant.
Coding change: c.600T>A on transcript NM_001277115.2 (MANE Select); coding-DNA position 600, T replaced by A.
Protein change: p.Tyr200Ter; replaces tyrosine 200 with a stop codon.
Molecular consequence: nonsense.
Genome position (GRCh38, 1-based): chr7:21,558,906, T>A. VCF-style: chr7-21558906-T-A. GRCh37 (hg19) VCF-style: chr7-21598524-T-A.
Other names: c.600T>A, p.Tyr200Ter (NM_003777.3); short protein forms Y200*.
Identifiers: ClinVar variation 2843107 (VCV002843107.3), dbSNP rs1489686376, ClinGen allele CA366932482.